The following is an entry in ClinVar:

ClinVar aggregate classification (germline): Uncertain significance (1 of 4 stars; one submission).

Submission:

Labcorp Genetics (formerly Invitae), Labcorp
Classification: Uncertain significance. Last evaluated: 2021-04-29. Review status: criteria provided, single submitter. Criteria: Invitae Variant Classification Sherloc (09022015). Collection method: clinical testing. Allele origin: germline.
Comment: This variant has not been reported in the literature in individuals with IARS2-related conditions. This sequence change replaces alanine with threonine at codon 136 of the IARS2 protein (p.Ala136Thr). The alanine residue is weakly conserved and there is a small physicochemical difference between alanine and threonine. This variant is not present in population databases (ExAC no frequency). Algorithms developed to predict the effect of missense changes on protein structure and function output the following: SIFT: "Tolerated"; PolyPhen-2: "Benign"; Align-GVGD: "Class C0". The threonine amino acid residue is found in multiple mammalian species, suggesting that this missense change does not adversely affect protein function. These predictions have not been confirmed by published functional studies and their clinical significance is uncertain. In summary, the available evidence is currently insufficient to determine the role of this variant in disease. Therefore, it has been classified as a Variant of Uncertain Significance.

NM_018060.4(IARS2):c.406G>A (p.Ala136Thr)

Gene: IARS2 (isoleucyl-tRNA synthetase 2, mitochondrial; plus strand). Cytogenetic location: 1q41.
Variant type: single nucleotide variant.
Coding change: c.406G>A on transcript NM_018060.4 (MANE Select); coding-DNA position 406, G replaced by A.
Protein change: p.Ala136Thr; replaces alanine 136 with threonine.
Molecular consequence: missense variant.
Genome position (GRCh38, 1-based): chr1:220,100,505, G>A. VCF-style: chr1-220100505-G-A. GRCh37 (hg19) VCF-style: chr1-220273847-G-A.
Other names: short protein forms A136T.
Identifiers: ClinVar variation 1468323 (VCV001468323.8), dbSNP rs2102817625, ClinGen allele CA344622631.